The following is an entry in ClinVar:

ClinVar aggregate classification (germline): Uncertain significance. Review status: criteria provided, multiple submitters, no conflicts (2 of 4 stars). 2 submissions from 2 submitters: Uncertain significance (2). Last evaluated 2025-10-08.

Allele frequency attached by ClinVar (database versions not stated): gnomAD exomes 0.00001 and 0.00007; ExAC 0.00002; gnomAD 0.00003 and 0.00004; TOPMed 0.00005; ESP Exome Variant Server 0.00008.
gnomAD v4.1: 113 of 1,600,786 alleles (0.0071%); highest among the groups gnomAD compares: Non-Finnish European, 0.0088%; no homozygotes.

Submissions (2):

Labcorp Genetics (formerly Invitae), Labcorp
Classification: Uncertain significance. Last evaluated: 2025-10-08. Review status: criteria provided, single submitter. Criteria: Invitae Variant Classification Sherloc (09022015). Collection method: clinical testing. Allele origin: germline.
Comment: This sequence change replaces histidine, which is basic and polar, with tyrosine, which is neutral and polar, at codon 2801 of the COL7A1 protein (p.His2801Tyr). The frequency data for this variant in the population databases is considered unreliable, as metrics indicate poor data quality at this position in the gnomAD database. This variant has not been reported in the literature in individuals affected with COL7A1-related conditions. ClinVar contains an entry for this variant (Variation ID: 1506000). Invitae Evidence Modeling of protein sequence and biophysical properties (such as structural, functional, and spatial information, amino acid conservation, physicochemical variation, residue mobility, and thermodynamic stability) has been performed for this missense variant. However, the output from this modeling did not meet the statistical confidence thresholds required to predict the impact of this variant on COL7A1 protein function. In summary, the available evidence is currently insufficient to determine the role of this variant in disease. Therefore, it has been classified as a Variant of Uncertain Significance.

Women's Health and Genetics/Laboratory Corporation of America, LabCorp
Classification: Uncertain significance. Last evaluated: 2024-03-11. Review status: criteria provided, single submitter. Criteria: LabCorp Variant Classification Summary - May 2015. Collection method: clinical testing. Allele origin: germline.

NM_000094.4(COL7A1):c.8401C>T (p.His2801Tyr)

Gene: COL7A1 (collagen type VII alpha 1 chain; minus strand). Cytogenetic location: 3p21.31.
Variant type: single nucleotide variant.
Coding change: c.8401C>T on transcript NM_000094.4 (MANE Select); coding-DNA position 8401, C replaced by T.
Protein change: p.His2801Tyr; replaces histidine 2801 with tyrosine.
Molecular consequence: missense variant.
Genome position (GRCh38, 1-based): chr3:48,566,273, G>A on the plus strand (C>T on the coding strand, the complement: COL7A1 is on the minus strand). VCF-style: chr3-48566273-G-A. GRCh37 (hg19) VCF-style: chr3-48603706-G-A.
Other names: short protein forms H2801Y.
Identifiers: ClinVar variation 1506000 (VCV001506000.7), dbSNP rs375653257, ClinGen allele CA2378039.